The following is an entry in ClinVar:

NM_005591.4(MRE11):c.1955A>G (p.Glu652Gly)

Gene: MRE11 (MRE11 double strand break repair nuclease; minus strand). Cytogenetic location: 11q21.
Variant type: single nucleotide variant.
Coding change: c.1955A>G on transcript NM_005591.4 (MANE Select); coding-DNA position 1955, A replaced by G.
Protein change: p.Glu652Gly; replaces glutamic acid 652 with glycine.
Molecular consequence: missense variant. On other transcripts: intron variant (1).
Genome position (GRCh38, 1-based): chr11:94,435,871, T>C on the plus strand (A>G on the coding strand, the complement: MRE11 is on the minus strand). VCF-style: chr11-94435871-T-C. GRCh37 (hg19) VCF-style: chr11-94169037-T-C.
Other names: c.1871A>G, p.Glu624Gly (NM_001440476.1, NM_001440466.1, NM_005590.4 and 4 more transcripts); c.1952A>G, p.Glu651Gly (NM_001330347.2, NM_001440464.1, NM_001440465.1); c.1955A>G, p.Glu652Gly (NM_001440460.1, NM_001440461.1, NM_001440462.1 and 1 more transcripts); c.1892A>G, p.Glu631Gly (NM_001440467.1, NM_001440468.1, NM_001440469.1); c.1889A>G, p.Glu630Gly (NM_001440470.1); c.1880A>G, p.Glu627Gly (NM_001440471.1); c.1877A>G, p.Glu626Gly (NM_001440472.1); c.1874A>G, p.Glu625Gly (NM_001440473.1); and 6 more; short protein forms E603G, E626G, E630G, E631G, E652G, E496G, E537G, E625G.
Identifiers: ClinVar variation 4110079 (VCV004110079.1).

ClinVar aggregate classification (germline): Uncertain significance (1 of 4 stars; one submission).

Conditions:
Hereditary cancer-predisposing syndrome. Also called: Tumor predisposition; Neoplastic Syndromes, Hereditary; Hereditary neoplastic syndrome; Hereditary Cancer Syndrome. Identifiers: Orphanet 140162, MedGen C0027672, MeSH D009386, MONDO:0015356.

Submission:

Ambry Genetics
Classification: Uncertain significance for Hereditary cancer-predisposing syndrome. Last evaluated: 2025-07-05. Review status: criteria provided, single submitter. Criteria: Ambry Variant Classification Scheme 2023. Collection method: clinical testing. Allele origin: germline.
Comment: The p.E652G variant (also known as c.1955A>G), located in coding exon 17 of the MRE11A gene, results from an A to G substitution at nucleotide position 1955. The glutamic acid at codon 652 is replaced by glycine, an amino acid with similar properties. This amino acid position is conserved. In addition, this alteration is predicted to be tolerated by in silico analysis. Based on the available evidence, the clinical significance of this variant remains unclear.